The following is an entry in ClinVar:

NM_025132.4(WDR19):c.1373T>C (p.Leu458Ser)

Gene: WDR19 (WD repeat domain 19; plus strand). Cytogenetic location: 4p14.
Variant type: single nucleotide variant.
Coding change: c.1373T>C on transcript NM_025132.4 (MANE Select); coding-DNA position 1373, T replaced by C.
Protein change: p.Leu458Ser; replaces leucine 458 with serine.
Molecular consequence: missense variant.
Genome position (GRCh38, 1-based): chr4:39,217,999, T>C. VCF-style: chr4-39217999-T-C. GRCh37 (hg19) VCF-style: chr4-39219619-T-C.
Other names: c.893T>C, p.Leu298Ser (NM_001317924.2); short protein forms L298S, L458S.
Identifiers: ClinVar variation 1000506 (VCV001000506.9), dbSNP rs1729252548, ClinGen allele CA356631061.

ClinVar aggregate classification (germline): Uncertain significance (1 of 4 stars; one submission).

Conditions:
Asphyxiating thoracic dystrophy 5 (SRTD5). Also called: SHORT-RIB THORACIC DYSPLASIA 5 WITH OR WITHOUT POLYDACTYLY; SHORT-RIB THORACIC DYSPLASIA 5 WITHOUT POLYDACTYLY. Identifiers: Orphanet 474, MedGen C3280598, MONDO:0013717, OMIM 614376.
Senior-Loken syndrome 8 (SLSN8). Identifiers: Orphanet 3156, MedGen C4225376, MONDO:0014579, OMIM 616307.

gnomAD v4.1: 7 of 1,613,718 alleles (0.00043%); highest among the groups gnomAD compares: Non-Finnish European, 0.00059%; no homozygotes.

Submission:

Labcorp Genetics (formerly Invitae), Labcorp
Classification: Uncertain significance for Senior-Loken syndrome 8; Asphyxiating thoracic dystrophy 5. Last evaluated: 2020-01-30. Review status: criteria provided, single submitter. Criteria: Invitae Variant Classification Sherloc (09022015). Collection method: clinical testing. Allele origin: germline.
Comment: This sequence change replaces leucine with serine at codon 458 of the WDR19 protein (p.Leu458Ser). The leucine residue is moderately conserved and there is a large physicochemical difference between leucine and serine. This variant is not present in population databases (ExAC no frequency). This variant has not been reported in the literature in individuals with WDR19-related conditions. Algorithms developed to predict the effect of missense changes on protein structure and function output the following: SIFT: "Tolerated"; PolyPhen-2: "Benign"; Align-GVGD: "Class C0". The serine amino acid residue is found in multiple mammalian species, suggesting that this missense change does not adversely affect protein function. These predictions have not been confirmed by published functional studies and their clinical significance is uncertain. In summary, the available evidence is currently insufficient to determine the role of this variant in disease. Therefore, it has been classified as a Variant of Uncertain Significance.